The following is an entry in ClinVar:

NM_000069.3(CACNA1S):c.4242-10C>G

Gene: CACNA1S (calcium voltage-gated channel subunit alpha1 S; minus strand). Cytogenetic location: 1q32.1.
Variant type: single nucleotide variant.
Coding change: c.4242-10C>G on transcript NM_000069.3 (MANE Select); 10 bases into the intron before coding-DNA position 4242, C replaced by G.
Molecular consequence: intron variant.
Genome position (GRCh38, 1-based): chr1:201,049,109, G>C on the plus strand (C>G on the coding strand, the complement: CACNA1S is on the minus strand). VCF-style: chr1-201049109-G-C. GRCh37 (hg19) VCF-style: chr1-201018237-G-C.
Identifiers: ClinVar variation 1091672 (VCV001091672.12), dbSNP rs574154912, ClinGen allele CA083175.

ClinVar aggregate classification (germline): Conflicting classifications of pathogenicity. Review status: criteria provided, conflicting classifications (1 of 4 stars). 7 submissions from 4 submitters: Uncertain significance (1); Likely benign (6). Last evaluated 2025-10-16.

Conditions:
Hypokalemic periodic paralysis, type 1. Also called: Hypokalemic Periodic Paralysis Type 1 (AD); HypoPP. Identifiers: Orphanet 681, MedGen C3714580, MONDO:0042979, OMIM 170400.
Thyrotoxic periodic paralysis, susceptibility to, 1 (TTPP1). Identifiers: Orphanet 79102, MedGen C2749982, MONDO:0008570, OMIM 188580.
Malignant hyperthermia, susceptibility to, 5 (MHS5). Also called: CACNA1S-Related Malignant Hyperthermia Susceptibility. Identifiers: Orphanet 423, MedGen C1866077, MONDO:0011163, OMIM 601887.
Congenital myopathy 18. Also called: DIHYDROPYRIDINE RECEPTOR CONGENITAL MYOPATHY; DHPR CONGENITAL MYOPATHY; Myopathy, congenital, due to dihydropyridine receptor defect. Identifiers: MedGen C5830283, MONDO:0859514, OMIM 620246.

Allele frequency attached by ClinVar (database versions not stated): gnomAD 0.00001; gnomAD exomes 0.00001; ExAC 0.00003; TOPMed 0.00003; 1000 Genomes Project 30x 0.00016; 1000 Genomes Project 0.00020.
gnomAD v4.1: 8 of 1,592,446 alleles (0.0005%); highest among the groups gnomAD compares: East Asian, 0.0045%; no homozygotes.

Submissions (7):

Labcorp Genetics (formerly Invitae), Labcorp
Classification: Likely benign for Hypokalemic periodic paralysis, type 1; Malignant hyperthermia, susceptibility to, 5. Last evaluated: 2025-10-16. Review status: criteria provided, single submitter. Criteria: Invitae Variant Classification Sherloc (09022015). Collection method: clinical testing. Allele origin: germline.

Genome-Nilou Lab
Classification: Likely benign for Malignant hyperthermia, susceptibility to, 5. Last evaluated: 2023-04-11. Review status: criteria provided, single submitter. Criteria: ACMG Guidelines, 2015. Collection method: clinical testing. Allele origin: germline. Affected: no.

Genome-Nilou Lab
Classification: Likely benign for Thyrotoxic periodic paralysis, susceptibility to, 1. Last evaluated: 2023-04-11. Review status: criteria provided, single submitter. Criteria: ACMG Guidelines, 2015. Collection method: clinical testing. Allele origin: germline. Affected: no.

Genome-Nilou Lab
Classification: Likely benign for Congenital myopathy 18. Last evaluated: 2023-04-11. Review status: criteria provided, single submitter. Criteria: ACMG Guidelines, 2015. Collection method: clinical testing. Allele origin: germline. Affected: no.

Genome-Nilou Lab
Classification: Likely benign for Hypokalemic periodic paralysis, type 1. Last evaluated: 2023-04-11. Review status: criteria provided, single submitter. Criteria: ACMG Guidelines, 2015. Collection method: clinical testing. Allele origin: germline. Affected: no.

All of Us Research Program, National Institutes of Health
Classification: Uncertain significance for Malignant hyperthermia, susceptibility to, 5. Last evaluated: 2023-02-24. Review status: criteria provided, single submitter. Criteria: ACMG Guidelines, 2015. Collection method: clinical testing. Allele origin: germline. Inheritance: Autosomal dominant inheritance. Observed: 1 variant allele, 1 heterozygote.
Comment: This study involves interpretation of variants in research participants for the purpose of population health screening. Participant phenotype was not available at the time of variant classification. Additional details can be found in publication PMID: 35346344, PMCID: PMC8962531

Fulgent Genetics
Classification: Likely benign for Hypokalemic periodic paralysis, type 1; Thyrotoxic periodic paralysis, susceptibility to, 1; Malignant hyperthermia, susceptibility to, 5. Last evaluated: 2022-04-30. Review status: criteria provided, single submitter. Criteria: ACMG Guidelines, 2015. Collection method: clinical testing. Allele origin: unknown.